The following is an entry in ClinVar:

NM_000179.3(MSH6):c.3437A>C (p.Gln1146Pro)

Gene: MSH6 (mutS homolog 6; plus strand). Cytogenetic location: 2p16.3.
Variant type: single nucleotide variant.
Coding change: c.3437A>C on transcript NM_000179.3 (MANE Select); coding-DNA position 3437, A replaced by C.
Protein change: p.Gln1146Pro; replaces glutamine 1146 with proline.
Molecular consequence: missense variant.
Genome position (GRCh38, 1-based): chr2:47,803,684, A>C. VCF-style: chr2-47803684-A-C. GRCh37 (hg19) VCF-style: chr2-48030823-A-C.
Other names: c.3047A>C, p.Gln1016Pro (NM_001281492.2); c.2531A>C, p.Gln844Pro (NM_001281493.2, NM_001281494.2); short protein forms Q1146P, Q1016P, Q844P.
Identifiers: ClinVar variation 89383 (VCV000089383.15), dbSNP rs587779262, ClinGen allele CA012827.

ClinVar aggregate classification (germline): Conflicting classifications of pathogenicity. Review status: criteria provided, conflicting classifications (1 of 4 stars). 3 submissions from 3 submitters: Pathogenic (1); Uncertain significance (1). 1 of the submissions does not count toward it. Last evaluated 2024-10-24.

Conditions:
Hereditary cancer-predisposing syndrome. Also called: Tumor predisposition; Hereditary Cancer Syndrome; Hereditary neoplastic syndrome; Neoplastic Syndromes, Hereditary. Identifiers: Orphanet 140162, MedGen C0027672, MeSH D009386, MONDO:0015356.
Hereditary nonpolyposis colorectal neoplasms. Identifiers: MedGen C0009405, MeSH D003123.

Submissions (3):

Labcorp Genetics (formerly Invitae), Labcorp
Classification: Uncertain significance for Hereditary nonpolyposis colorectal neoplasms. Last evaluated: 2024-10-24. Review status: criteria provided, single submitter. Criteria: Invitae Variant Classification Sherloc (09022015). Collection method: clinical testing. Allele origin: germline.
Comment: This sequence change replaces glutamine, which is neutral and polar, with proline, which is neutral and non-polar, at codon 1146 of the MSH6 protein (p.Gln1146Pro). This variant is not present in population databases (gnomAD no frequency). This missense change has been observed in individual(s) with colon cancer (PMID: 21520333). ClinVar contains an entry for this variant (Variation ID: 89383). An algorithm developed to predict the effect of missense changes on protein structure and function (PolyPhen-2) suggests that this variant is likely to be disruptive. In summary, the available evidence is currently insufficient to determine the role of this variant in disease. Therefore, it has been classified as a Variant of Uncertain Significance.

Ambry Genetics
Classification: Pathogenic for Hereditary cancer-predisposing syndrome. Last evaluated: 2022-11-08. Review status: criteria provided, single submitter. Criteria: Ambry Variant Classification Scheme 2023. Collection method: clinical testing. Allele origin: germline.
Comment: The p.Q1146P pathogenic mutation (also known as c.3437A>C), located in coding exon 5 of the MSH6 gene, results from an A to C substitution at nucleotide position 3437. The glutamine at codon 1146 is replaced by proline, an amino acid with similar properties. This alteration has been observed in multiple individuals whose Lynch-related tumors demonstrated high microsatellite instability and/or loss of MSH6 expression on immunohistochemistry (IHC) and in multiple families meeting Amsterdam criteria (Ambry internal data). Based on internal structural analysis using published crystal structures, Q1146P is disruptive to the region near the ATP-binding site (Warren JJ et al. Mol Cell. 2007 May;26:579-92). This amino acid position is highly conserved in available vertebrate species. In addition, this alteration is predicted to be deleterious by in silico analysis. Based on the supporting evidence, this alteration is interpreted as a disease-causing mutation.

Department of Pathology and Laboratory Medicine, Sinai Health System
Classification: Uncertain significance. Review status: no assertion criteria provided. Collection method: clinical testing. Allele origin: unknown. Affected: yes. Study: The Canadian Open Genetics Repository (COGR). Not counted in ClinVar's aggregate classification.
Comment: The MSH6 p.Gln1146Pro variant was not identified in the literature nor was it identified in the GeneInsight-COGR, Cosmic, MutDB, UMD-LSDB, Zhejiang Colon Cancer Database, or Mismatch Repair Genes Variant database. The variant was identified in the dbSNP as â€šÃ„Ãºwith uncertain significance alleleâ€šÃ„Ã¹. In addition, the variant was identified in ClinVar and Clinvitae by InSIGHT as uncertain significance; in Insight Colon Cancer Gene Variant Database as Class 3 constitutional with no other information provided; and in Insight Hereditary Tumors Database as Germline inherited with unknown allele. The variant was not identified in the 1000 Genomes Project, the NHLBI GO Exome Sequencing Project or the Exome Aggregation Consortium (August 8th 2016) control databases. The p.Gln1146 residue is conserved across mammals and other organisms, and computational analyses (PolyPhen-2, SIFT, AlignGVGD, BLOSUM, MutationTaster) suggest that the variant may impact the protein; however, this information is not predictive enough to assume pathogenicity. The p.Gln1146Pro variant occurs in the second last base of the exon. This position has been shown to be part of the splicing consensus sequence and variants involving this position sometimes affect splicing. In silico or computational prediction software programs (SpliceSiteFinder, MaxEntScan, NNSPLICE, GeneSplicer, HumanSpliceFinder) predicts a greater than 10% difference in splicing in 2 of 5 programs, however, this information is not very predictive of pathogenicity. The variant is located with the DNA mismatch repair protein MutS, C-terminal P-loop containing nucleoside triphosphate hydrolase DNA mismatch repair protein MSH6 functional domain, the clinical significance of which is uncertain. In summary, based on the above information, the clinical significance of this variant cannot be determined with certainty at this time. This variant is classified as a variant of uncertain significance.

Literature cited by the submitters: PubMed 21520333 (cited by Labcorp Genetics (formerly Invitae), Labcorp); PubMed 17531815 (cited by Ambry Genetics).